The following is an entry in ClinVar:

ClinVar aggregate classification (germline): Likely benign. Review status: criteria provided, multiple submitters, no conflicts (2 of 4 stars). 2 submissions from 2 submitters: Likely benign (2). Last evaluated 2023-05-30.

Conditions:
Malignant hyperthermia, susceptibility to, 1 (MHS1). Also called: Anesthesia related hyperthermia; Malignant hyperpyrexia; Fulminating hyperpyrexia; Pharmacogenic myopathy; RYR1-Related Malignant Hyperthermia Susceptibility; Malignant hyperthermia suceptibility 1. Identifiers: Orphanet 423, MedGen C2930980, MONDO:0007783, OMIM 145600.

Allele frequency attached by ClinVar (database versions not stated): TOPMed 0.00001.
gnomAD v4.1: 9 of 1,609,642 alleles (0.00056%); highest among the groups gnomAD compares: Non-Finnish European, 0.00076%; no homozygotes.

Submissions (2):

All of Us Research Program, National Institutes of Health
Classification: Likely benign for Malignant hyperthermia, susceptibility to, 1. Last evaluated: 2023-05-30. Review status: criteria provided, single submitter. Criteria: ACMG Guidelines, 2015. Collection method: clinical testing. Allele origin: germline. Inheritance: Autosomal dominant inheritance. Observed: 1 variant allele, 1 heterozygote.
Comment: This study involves interpretation of variants in research participants for the purpose of population health screening. Participant phenotype was not available at the time of variant classification. Additional details can be found in publication PMID: 35346344, PMCID: PMC8962531

Color Diagnostics, LLC DBA Color Health
Classification: Likely benign for Malignant hyperthermia, susceptibility to, 1. Last evaluated: 2023-05-17. Review status: criteria provided, single submitter. Criteria: ACMG Guidelines, 2015. Collection method: clinical testing. Allele origin: germline.

NM_000540.3(RYR1):c.10290C>T (p.Ser3430=)

Gene: RYR1 (ryanodine receptor 1; plus strand). Cytogenetic location: 19q13.2.
Variant type: single nucleotide variant.
Coding change: c.10290C>T on transcript NM_000540.3 (MANE Select); coding-DNA position 10290, C replaced by T.
Protein change: p.Ser3430=; no amino-acid change (serine 3430 retained).
Molecular consequence: synonymous variant.
Genome position (GRCh38, 1-based): chr19:38,523,058, C>T. VCF-style: chr19-38523058-C-T. GRCh37 (hg19) VCF-style: chr19-39013698-C-T.
Other names: c.10290C>T, p.Ser3430= (NM_001042723.2).
Identifiers: ClinVar variation 3071418 (VCV003071418.2), dbSNP rs1251426458, ClinGen allele CA507247539.